The following is an entry in ClinVar:

NM_001042492.3(NF1):c.1962T>C (p.Pro654=)

Gene: NF1 (neurofibromin 1; plus strand). Cytogenetic location: 17q11.2.
Variant type: single nucleotide variant.
Coding change: c.1962T>C on transcript NM_001042492.3 (MANE Select); coding-DNA position 1962, T replaced by C.
Protein change: p.Pro654=; no amino-acid change (proline 654 retained).
Molecular consequence: synonymous variant.
Genome position (GRCh38, 1-based): chr17:31,225,211, T>C. VCF-style: chr17-31225211-T-C. GRCh37 (hg19) VCF-style: chr17-29552229-T-C.
Other names: c.1962T>C, p.Pro654= (NM_000267.4).
Identifiers: ClinVar variation 762196 (VCV000762196.13), dbSNP rs1555613595, ClinGen allele CA499231785.
Genomic context (GRCh38, chr17:31,225,211, plus strand): 5'-TCCTTCTAGTGGAAATACCAGTCAAATGTCCATGGATCATGAAGAATTACTACGTACTCC[T>C]GGAGCCTCTCTCCGGAAGGGAAAAGGGAACTCCTCTATGGTCAGCTTCTTCTGTACTTTT-3'
Protein context (NP_001035957.1, residues 644-664): SMDHEELLRT[Pro654=]GASLRKGKGN

ClinVar aggregate classification (germline): Benign/Likely benign. Review status: criteria provided, multiple submitters, no conflicts (2 of 4 stars). 3 submissions from 3 submitters: Benign (1); Likely benign (2). Last evaluated 2026-05-15.

Conditions:
Cardiovascular phenotype. Identifiers: MedGen CN230736.
Hereditary cancer-predisposing syndrome. Also called: Tumor predisposition; Hereditary Cancer Syndrome; Hereditary neoplastic syndrome; Neoplastic Syndromes, Hereditary. Identifiers: Orphanet 140162, MedGen C0027672, MeSH D009386, MONDO:0015356.
Neurofibromatosis, type 1 (NF1). Also called: NEUROFIBROMATOSIS, TYPE I, SOMATIC; Peripheral type neurofibromatosis; VON RECKLINGHAUSEN DISEASE; Neurofibromatosis, type I. Identifiers: Orphanet 636, MedGen C0027831, MONDO:0018975, OMIM 162200. Disease mechanism: loss of function.

Submissions (3):

Myriad Genetics, Inc.
Classification: Benign for Neurofibromatosis, type 1. Last evaluated: 2026-05-15. Review status: criteria provided, single submitter. Criteria: Myriad Autosomal Dominant, Autosomal Recessive and X-Linked Classification Criteria (2023). Collection method: clinical testing. Allele origin: unknown.
Comment: This variant is considered benign. This variant is a silent/synonymous amino acid change and it is not expected to impact splicing.

Labcorp Genetics (formerly Invitae), Labcorp
Classification: Likely benign for Neurofibromatosis, type 1. Last evaluated: 2025-12-13. Review status: criteria provided, single submitter. Criteria: Invitae Variant Classification Sherloc (09022015). Collection method: clinical testing. Allele origin: germline.

Ambry Genetics
Classification: Likely benign for Cardiovascular phenotype; Hereditary cancer-predisposing syndrome. Last evaluated: 2022-06-07. Review status: criteria provided, single submitter. Criteria: Ambry Variant Classification Scheme 2023. Collection method: clinical testing. Allele origin: germline.